The following is an entry in ClinVar:

ClinVar aggregate classification (germline): Pathogenic (1 of 4 stars; one submission).

Conditions:
Angelman syndrome-like. Identifiers: MedGen CN128785.
Developmental and epileptic encephalopathy, 2 (DEE2). Also called: INFANTILE SPASM SYNDROME, X-LINKED 2; CDKL5 deficiency disorder. Identifiers: Orphanet 1934, Orphanet 3451, Orphanet 505652, MedGen C4750718, MONDO:0010396, OMIM 300672.

Submission:

Labcorp Genetics (formerly Invitae), Labcorp
Classification: Pathogenic for Developmental and epileptic encephalopathy, 2; Angelman syndrome-like. Last evaluated: 2022-07-19. Review status: criteria provided, single submitter. Criteria: Invitae Variant Classification Sherloc (09022015). Collection method: clinical testing. Allele origin: germline.
Comment: This sequence change creates a premature translational stop signal (p.Ala356Glyfs*2) in the CDKL5 gene. It is expected to result in an absent or disrupted protein product. Loss-of-function variants in CDKL5 are known to be pathogenic (PMID: 22872100). This variant is not present in population databases (gnomAD no frequency). This variant has not been reported in the literature in individuals affected with CDKL5-related conditions. ClinVar contains an entry for this variant (Variation ID: 1350934). For these reasons, this variant has been classified as Pathogenic.

Literature cited by the submitters: PubMed 22872100.

NM_001323289.2(CDKL5):c.1066dup (p.Ala356fs)

Gene: CDKL5 (cyclin dependent kinase like 5; plus strand). Cytogenetic location: Xp22.13.
Variant type: Duplication.
Coding change: c.1066dup on transcript NM_001323289.2 (MANE Select); coding-DNA position 1066, one base duplicated (G; older notation c.1066dupG).
Protein change: p.Ala356fs; shifts the reading frame from alanine 356.
Molecular consequence: frameshift variant.
Genome position (GRCh38, 1-based): chrX:18,603,990, G duplicated; the last of 3 consecutive G bases (chrX:18,603,988-18,603,990); duplicating any one gives the same sequence. VCF-style (leftmost placement, unchanged base first): chrX-18603987-C-CG. GRCh37 (hg19) VCF-style: chrX-18622107-C-CG.
Other names: c.1066dup, p.Ala356fs (NM_001037343.2, NM_003159.3); short protein forms A356fs.
Identifiers: ClinVar variation 1350934 (VCV001350934.6), dbSNP rs2147160283, ClinGen allele CA2573158474.